The following is an entry in ClinVar:

ClinVar aggregate classification (germline): Conflicting classifications of pathogenicity. Review status: criteria provided, conflicting classifications (1 of 4 stars). 5 submissions from 5 submitters: Uncertain significance (2); Benign (1); Likely benign (1). 1 of the submissions does not count toward it. Last evaluated 2026-06-01.

Conditions:
FOXF1-related disorder. Also called: FOXF1-related condition.
Alveolar capillary dysplasia with pulmonary venous misalignment. Also called: Congenital alveolar capillary dysplasia; ALVEOLAR CAPILLARY DYSPLASIA WITH MISALIGNMENT OF PULMONARY VEINS AND OTHER CONGENITAL ANOMALIES; Alveolar capillary dysplasia with misalignment of pulmonary veins. Identifiers: Orphanet 210122, MedGen C2960310, MONDO:0009934, OMIM 265380.

Submissions (5):

CeGaT Center for Human Genetics Tuebingen
Classification: Benign. Last evaluated: 2026-06-01. Review status: criteria provided, single submitter. Criteria: CeGaT Center For Human Genetics Tuebingen Variant Classification Criteria Version 2. Collection method: clinical testing. Allele origin: germline. Affected: yes. Observed: 12 variant alleles.
Comment: FOXF1: BS1, BS2

Labcorp Genetics (formerly Invitae), Labcorp
Classification: Uncertain significance. Last evaluated: 2026-01-14. Review status: criteria provided, single submitter. Criteria: Invitae Variant Classification Sherloc (09022015). Collection method: clinical testing. Allele origin: germline.
Comment: This variant, c.57_59dup, results in the insertion of 1 amino acid(s) of the FOXF1 protein (p.Gly23dup), but otherwise preserves the integrity of the reading frame. The frequency data for this variant in the population databases is considered unreliable, as metrics indicate poor data quality at this position in the gnomAD database. This variant has not been reported in the literature in individuals affected with FOXF1-related conditions. ClinVar contains an entry for this variant (Variation ID: 320786). Experimental studies and prediction algorithms are not available or were not evaluated, and the functional significance of this variant is currently unknown. In summary, the available evidence is currently insufficient to determine the role of this variant in disease. Therefore, it has been classified as a Variant of Uncertain Significance.

Blueprint Genetics
Classification: Likely benign. Last evaluated: 2024-11-26. Review status: criteria provided, single submitter. Criteria: ACMG Guidelines, 2015. Collection method: clinical testing. Allele origin: germline.

Department of Pathology and Laboratory Medicine, Sinai Health System
Classification: Uncertain significance for Alveolar capillary dysplasia with pulmonary venous misalignment. Last evaluated: 2023-01-26. Review status: criteria provided, single submitter. Criteria: ACMG Guidelines, 2015. Collection method: research. Allele origin: germline.

PreventionGenetics, part of Exact Sciences
Classification: Benign for FOXF1-related condition. Last evaluated: 2019-12-09. Review status: no assertion criteria provided. Collection method: clinical testing. Allele origin: germline. Not counted in ClinVar's aggregate classification.
Comment: This variant is classified as benign based on ACMG/AMP sequence variant interpretation guidelines (Richards et al. 2015 PMID: 25741868, with internal and published modifications).

NM_001451.3(FOXF1):c.36CGG[9] (p.Gly23dup)

Gene: FOXF1 (forkhead box F1; plus strand). Cytogenetic location: 16q24.1.
Variant type: Microsatellite.
Coding change: c.36CGG[9] on transcript NM_001451.3 (MANE Select); nine copies in a row of the 3-base unit CGG starting at c.36; the reference has eight copies in a row; one copy, 3 bases duplicated.
Protein change: p.Gly23dup; duplicates glycine 23.
Molecular consequence: inframe insertion.
Genome position (GRCh38, 1-based): chr16:86,510,626-86,510,628, CGG duplicated; duplicating any 3 consecutive bases within chr16:86,510,605-86,510,628 gives the same sequence; the position shown is the placement nearest the transcript's 3' end. VCF-style (leftmost placement, unchanged base first): chr16-86510604-A-ACGG. GRCh37 (hg19) VCF-style: chr16-86544210-A-ACGG.
Identifiers: ClinVar variation 320786 (VCV000320786.38), dbSNP rs574179816, ClinGen allele CA8217338.